The following is an entry in ClinVar:

ClinVar aggregate classification (germline): Uncertain significance (1 of 4 stars; one submission).

Submission:

Labcorp Genetics (formerly Invitae), Labcorp
Classification: Uncertain significance. Last evaluated: 2023-11-27. Review status: criteria provided, single submitter. Criteria: Invitae Variant Classification Sherloc (09022015). Collection method: clinical testing. Allele origin: germline.
Comment: This sequence change replaces tyrosine, which is neutral and polar, with phenylalanine, which is neutral and non-polar, at codon 788 of the POLR1A protein (p.Tyr788Phe). This variant is not present in population databases (gnomAD no frequency). This variant has not been reported in the literature in individuals affected with POLR1A-related conditions. Advanced modeling of protein sequence and biophysical properties (such as structural, functional, and spatial information, amino acid conservation, physicochemical variation, residue mobility, and thermodynamic stability) performed at Invitae indicates that this missense variant is not expected to disrupt POLR1A protein function with a negative predictive value of 80%. In summary, the available evidence is currently insufficient to determine the role of this variant in disease. Therefore, it has been classified as a Variant of Uncertain Significance.

NM_015425.6(POLR1A):c.2363A>T (p.Tyr788Phe)

Gene: POLR1A (RNA polymerase I subunit A; minus strand). Cytogenetic location: 2p11.2.
Variant type: single nucleotide variant.
Coding change: c.2363A>T on transcript NM_015425.6 (MANE Select); coding-DNA position 2363, A replaced by T.
Protein change: p.Tyr788Phe; replaces tyrosine 788 with phenylalanine.
Molecular consequence: missense variant.
Genome position (GRCh38, 1-based): chr2:86,052,846, T>A on the plus strand (A>T on the coding strand, the complement: POLR1A is on the minus strand). VCF-style: chr2-86052846-T-A. GRCh37 (hg19) VCF-style: chr2-86279969-T-A.
Other names: short protein forms Y788F.
Identifiers: ClinVar variation 2698720 (VCV002698720.3), dbSNP rs2466370466, ClinGen allele CA347542203.